The following is an entry in ClinVar:

ClinVar aggregate classification (germline): Pathogenic. Review status: criteria provided, multiple submitters, no conflicts (2 of 4 stars). 12 submissions from 12 submitters: Pathogenic (10). 2 of the submissions do not count toward it. Last evaluated 2026-08-18.

Conditions:
ANKRD11-related disorder. Also called: ANKRD11-related condition.
Inborn genetic diseases. Identifiers: MedGen C0950123, MeSH D030342.
KBG syndrome (KBGS). Also called: ANKRD11-Related KBG Syndrome. Identifiers: Orphanet 2332, MedGen C0220687, MONDO:0007846, OMIM 148050.
Intellectual disability. Also called: Intellectual functioning disability; intellectual disabilities; Intellectual developmental disorder. Identifiers: MedGen C3714756, MeSH D008607, MONDO:0001071, HP:0001249.

Submissions (12):

Medical Genetics Center, Maternal and Child Health Hospital of Hubei Province
Classification: Pathogenic for KBG syndrome. Last evaluated: 2026-08-18. Review status: criteria provided, single submitter. Criteria: ACMG Guidelines, 2015. Collection method: clinical testing. Allele origin: maternal. Affected: yes.
Comment: PVS1+PM2_Supporting+PP1+ PM6+PS4_Supporting

Ambry Genetics
Classification: Pathogenic for Inborn genetic diseases. Last evaluated: 2026-08-04. Review status: criteria provided, single submitter. Criteria: Ambry Variant Classification Scheme 2023. Collection method: clinical testing. Allele origin: germline.
Comment: The c.4384dupA (p.R1462Kfs*92) alteration, located in exon 9 (coding exon 7) of the ANKRD11 gene, consists of a duplication of A at position 4384, causing a translational frameshift with a predicted alternate stop codon after 92 amino acids. This variant is expected to result in loss of function by premature protein truncation or nonsense-mediated mRNA decay. This variant was not reported in population-based cohorts in the Genome Aggregation Database (gnomAD). This variant was determined to be de novo in at least one individual with features consistent with KBG syndrome (Miao, 2018). Based on the available evidence, this alteration is classified as pathogenic.

Umrani?ye Training and Research Hospital
Classification: Pathogenic for KBG syndrome. Last evaluated: 2026-07-05. Review status: criteria provided, single submitter. Criteria: ACMG Guidelines, 2015. Collection method: clinical testing. Allele origin: germline. Inheritance: Autosomal dominant inheritance. Affected: yes.
Comment: PVS1, PM2

CeGaT Center for Human Genetics Tuebingen
Classification: Pathogenic. Last evaluated: 2026-04-01. Review status: criteria provided, single submitter. Criteria: CeGaT Center For Human Genetics Tuebingen Variant Classification Criteria Version 2. Collection method: clinical testing. Allele origin: germline. Affected: yes. Observed: 2 variant alleles.
Comment: ANKRD11: PVS1, PM2, PS2:Moderate, PS4:Supporting

Labcorp Genetics (formerly Invitae), Labcorp
Classification: Pathogenic for KBG syndrome. Last evaluated: 2025-03-24. Review status: criteria provided, single submitter. Criteria: Invitae Variant Classification Sherloc (09022015). Collection method: clinical testing. Allele origin: germline.
Comment: This sequence change creates a premature translational stop signal (p.Arg1462Lysfs*92) in the ANKRD11 gene. It is expected to result in an absent or disrupted protein product. Loss-of-function variants in ANKRD11 are known to be pathogenic (PMID: 21782149, 25125236, 25413698, 25652421). This variant is not present in population databases (gnomAD no frequency). This premature translational stop signal has been observed in individual(s) with clinical features of ANKRD11-related conditions (PMID: 30182498, 32581362). ClinVar contains an entry for this variant (Variation ID: 280288). For these reasons, this variant has been classified as Pathogenic.

Blueprint Genetics
Classification: Pathogenic for ANKRD11-related disorders. Last evaluated: 2024-08-01. Review status: criteria provided, single submitter. Criteria: ACMG Guidelines, 2015. Collection method: clinical testing. Allele origin: de novo. Affected: yes. Observed: 3 variant alleles.

Provincial Medical Genetics Program of British Columbia, University of British Columbia
Classification: Pathogenic for KBG syndrome. Last evaluated: 2022-01-01. Review status: criteria provided, single submitter. Criteria: ACMG Guidelines, 2015. Collection method: clinical testing. Allele origin: de novo. Affected: yes.

GeneDx
Classification: Pathogenic. Last evaluated: 2021-12-04. Review status: criteria provided, single submitter. Criteria: GeneDx Variant Classification Process June 2021. Collection method: clinical testing. Allele origin: germline. Affected: yes.
Comment: Frameshift variant predicted to result in protein truncation or nonsense mediated decay in a gene for which loss-of-function is a known mechanism of disease; Not observed in large population cohorts (Lek et al., 2016); This variant is associated with the following publications: (PMID: 30182498, 32581362)

Genetics Laboratory, UDIAT-Centre Diagnòstic, Hospital Universitari Parc Tauli
Classification: Pathogenic. Last evaluated: 2021-04-26. Review status: criteria provided, single submitter. Criteria: Parc Tauli Hospital Assertion Criteria 2021. Collection method: clinical testing. Allele origin: de novo. Inheritance: Autosomal dominant inheritance. Affected: yes. Observed: 1 heterozygote.
Comment: PVS1_very strong;PP5_strong;PM2_supporting

Juno Genomics, Hangzhou Juno Genomics, Inc
Classification: Pathogenic for KBG syndrome. Review status: criteria provided, single submitter. Criteria: ACMG Guidelines, 2015. Collection method: clinical testing. Allele origin: germline. Affected: yes.
Comment: Absent from controls (or at extremely low frequency if recessive) in Genome Aggregation Database.;Null variant in a gene where loss of function (LOF) is a known mechanism of disease.;The prevalence of the variant in affected individuals is significantly increased compared to the prevalence in controls.;De novo (both maternity and paternity confirmed) in a patient with the disease and no family history.

Kasturba Medical College, Manipal, Kasturba Medical College, Manipal, Manipal Academy of Higher Education, Manipal, India
Classification: Pathogenic for KBG syndrome. Review status: no assertion criteria provided. Collection method: clinical testing. Allele origin: maternal. Affected: yes. Not counted in ClinVar's aggregate classification.

NIHR Bioresource Rare Diseases, University of Cambridge
Classification: Pathogenic for Intellectual disability. Review status: no assertion criteria provided. Collection method: research. Allele origin: unknown. Affected: yes. Observed: 1 variant allele. Not counted in ClinVar's aggregate classification.

Literature cited by the submitters: PubMed 30182498 (cited by 3 submitters); PubMed 36446582 (cited by Medical Genetics Center, Maternal and Child Health Hospital of Hubei Province); PubMed 37226940 (cited by Medical Genetics Center, Maternal and Child Health Hospital of Hubei Province); PubMed 37964495 (cited by Medical Genetics Center, Maternal and Child Health Hospital of Hubei Province); PubMed 32581362 (cited by 3 submitters); PubMed 33057194 (cited by Medical Genetics Center, Maternal and Child Health Hospital of Hubei Province); PubMed 35982159 (cited by Medical Genetics Center, Maternal and Child Health Hospital of Hubei Province); PubMed 42808190 (cited by Umrani?ye Training and Research Hospital); PubMed 21782149 (cited by Labcorp Genetics (formerly Invitae), Labcorp); PubMed 25125236 (cited by Labcorp Genetics (formerly Invitae), Labcorp); PubMed 25413698 (cited by Labcorp Genetics (formerly Invitae), Labcorp); PubMed 25652421 (cited by Labcorp Genetics (formerly Invitae), Labcorp); DOI 10.1016/j.ajhg.2011.06.007 (cited by Kasturba Medical College, Manipal, Kasturba Medical College, Manipal, Manipal Academy of Higher Education, Manipal, India).

NM_013275.6(ANKRD11):c.4384dup (p.Arg1462fs)

Gene: ANKRD11 (ankyrin repeat domain 11; minus strand). Cytogenetic location: 16q24.3.
Variant type: Duplication.
Coding change: c.4384dup on transcript NM_013275.6 (MANE Select); coding-DNA position 4384, one base duplicated (A; older notation c.4384dupA).
Protein change: p.Arg1462fs; shifts the reading frame from arginine 1462.
Molecular consequence: frameshift variant.
Genome position (GRCh38, 1-based): chr16:89,282,158, T duplicated on the plus strand (A on the coding strand, the reverse complement: ANKRD11 is on the minus strand). VCF-style (leftmost placement, unchanged base first): chr16-89282157-C-CT. GRCh37 (hg19) VCF-style: chr16-89348565-C-CT.
Other names: NP_037407.4:p.(Arg1462LysfsTer92); c.4384dup, p.Arg1462fs (NM_001256182.2, NM_001256183.2); c.4384dupA (NM_013275.4, NM_013275.6); c.4384dup (NM_013275.5, NM_013275.4); short protein forms R1462fs.
Identifiers: ClinVar variation 280288 (VCV000280288.49), dbSNP rs886041521, ClinGen allele CA10603356.